The following is an entry in ClinVar:

NM_152383.5(DIS3L2):c.2074A>C (p.Asn692His)

Gene: DIS3L2 (DIS3 like 3'-5' exoribonuclease 2; plus strand). Cytogenetic location: 2q37.1.
Variant type: single nucleotide variant.
Coding change: c.2074A>C on transcript NM_152383.5 (MANE Select); coding-DNA position 2074, A replaced by C.
Protein change: p.Asn692His; replaces asparagine 692 with histidine.
Molecular consequence: missense variant. On other transcripts: non-coding transcript variant (2), intron variant (1).
Genome position (GRCh38, 1-based): chr2:232,333,903, A>C. VCF-style: chr2-232333903-A-C. GRCh37 (hg19) VCF-style: chr2-233198613-A-C.
Other names: c.1582-9442A>C (NM_001257281.2); short protein forms N692H.
Identifiers: ClinVar variation 2731603 (VCV002731603.3), dbSNP rs2469446467, ClinGen allele CA350977420.
Genomic context (GRCh38, chr2:232,333,903, plus strand): 5'-GCACTGTACTTCTGCTCGGGGCTGCTGCAGGACCCAGCGCAGTTCCGGCACTACGCGCTC[A>C]ATGTGCCCCTGTACACACACTTCACCTCGCCCATCCGCCGCTTTGCCGACGTCCTGGTGC-3'
Protein context (NP_689596.4, residues 682-702): DPAQFRHYAL[Asn692His]VPLYTHFTSP

ClinVar aggregate classification (germline): Uncertain significance (1 of 4 stars; one submission).

Conditions:
Perlman syndrome (PRLMNS). Identifiers: Orphanet 2849, MedGen C0796113, MONDO:0009965, OMIM 267000.

Submission:

Labcorp Genetics (formerly Invitae), Labcorp
Classification: Uncertain significance for Perlman syndrome. Last evaluated: 2023-04-24. Review status: criteria provided, single submitter. Criteria: Invitae Variant Classification Sherloc (09022015). Collection method: clinical testing. Allele origin: germline.
Comment: Advanced modeling of protein sequence and biophysical properties (such as structural, functional, and spatial information, amino acid conservation, physicochemical variation, residue mobility, and thermodynamic stability) has been performed at Invitae for this missense variant, however the output from this modeling did not meet the statistical confidence thresholds required to predict the impact of this variant on DIS3L2 protein function. In summary, the available evidence is currently insufficient to determine the role of this variant in disease. Therefore, it has been classified as a Variant of Uncertain Significance. This variant is not present in population databases (gnomAD no frequency). This variant has not been reported in the literature in individuals affected with DIS3L2-related conditions. This sequence change replaces asparagine, which is neutral and polar, with histidine, which is basic and polar, at codon 692 of the DIS3L2 protein (p.Asn692His).